The following is an entry in ClinVar:

ClinVar aggregate classification (germline): Benign (0 of 4 stars; one submission).

Conditions:
FSIP2-related disorder. Also called: FSIP2-related condition.

Allele frequency attached by ClinVar (database versions not stated): ExAC 0.31994; TOPMed 0.32330; 1000 Genomes Project 0.32568; 1000 Genomes Project 30x 0.32651.
gnomAD v4.1: 505,784 of 1,517,904 alleles (33%); highest among the groups gnomAD compares: Admixed American, 37%; 85,737 homozygotes.

Submission:

PreventionGenetics, part of Exact Sciences
Classification: Benign for FSIP2-related condition. Last evaluated: 2019-10-22. Review status: no assertion criteria provided. Collection method: clinical testing. Allele origin: germline.
Comment: This variant is classified as benign based on ACMG/AMP sequence variant interpretation guidelines (Richards et al. 2015 PMID: 25741868, with internal and published modifications).

NM_173651.4(FSIP2):c.14902A>G (p.Met4968Val)

Gene: FSIP2 (fibrous sheath interacting protein 2; plus strand). Cytogenetic location: 2q32.1.
Variant type: single nucleotide variant.
Coding change: c.14902A>G on transcript NM_173651.4 (MANE Select); coding-DNA position 14902, A replaced by G.
Protein change: p.Met4968Val; replaces methionine 4968 with valine.
Molecular consequence: missense variant.
Genome position (GRCh38, 1-based): chr2:185,804,208, A>G. VCF-style: chr2-185804208-A-G. GRCh37 (hg19) VCF-style: chr2-186668935-A-G.
Other names: short protein forms M4968V.
Identifiers: ClinVar variation 3059379 (VCV003059379.2), dbSNP rs13003744, ClinGen allele CA2017090.